The following is an entry in ClinVar:

NM_018979.4(WNK1):c.5939_5940insGGA (p.Pro1980_Phe1981insAsp)

Gene: WNK1 (WNK lysine deficient protein kinase 1; plus strand). Cytogenetic location: 12p13.33.
Variant type: Insertion.
Coding change: c.5939_5940insGGA on transcript NM_018979.4 (MANE Select); coding-DNA positions 5939 to 5940, GGA inserted.
Protein change: p.Pro1980_Phe1981insAsp.
Molecular consequence: inframe insertion.
Genome position: GRCh38 VCF-style: chr12-896426-C-CGGA. GRCh37 (hg19) VCF-style: chr12-1005592-C-CGGA.
Other names: c.6719_6720insGGA, p.Pro2240_Phe2241insAsp (NM_001184985.2); c.5195_5196insGGA, p.Pro1732_Phe1733insAsp (NM_014823.3); c.6695_6696insGGA, p.Pro2232_Phe2233insAsp (NM_213655.5).
Identifiers: ClinVar variation 3761839 (VCV003761839.2).

ClinVar aggregate classification (germline): Uncertain significance (1 of 4 stars; one submission).

Conditions:
Neuropathy, hereditary sensory and autonomic, type 2A (HSAN2A). Also called: ACROOSTEOLYSIS, GIACCAI TYPE; ACROOSTEOLYSIS, NEUROGENIC; MORVAN DISEASE; NEUROPATHY, CONGENITAL SENSORY; NEUROPATHY, HEREDITARY SENSORY RADICULAR, AUTOSOMAL RECESSIVE; NEUROPATHY, HEREDITARY SENSORY, TYPE IIA. Identifiers: Orphanet 970, MedGen C2752089, MONDO:0024309, OMIM 201300.
Pseudohypoaldosteronism type 2C (PHA2C). Also called: Pseudohypoaldosteronism Type IIC. Identifiers: Orphanet 757, Orphanet 88940, MedGen C1840391, MONDO:0013778, OMIM 614492.

Submission:

Labcorp Genetics (formerly Invitae), Labcorp
Classification: Uncertain significance for Neuropathy, hereditary sensory and autonomic, type 2A; Pseudohypoaldosteronism type 2C. Last evaluated: 2024-08-15. Review status: criteria provided, single submitter. Criteria: Invitae Variant Classification Sherloc (09022015). Collection method: clinical testing. Allele origin: germline.
Comment: This variant, c.6695_6696insGGA, results in the insertion of 1 amino acid(s) of the WNK1 protein (p.Pro2232_Phe2233insAsp), but otherwise preserves the integrity of the reading frame. This variant is not present in population databases (gnomAD no frequency). This variant has not been reported in the literature in individuals affected with WNK1-related conditions. In summary, the available evidence is currently insufficient to determine the role of this variant in disease. Therefore, it has been classified as a Variant of Uncertain Significance.